The following is an entry in ClinVar:

NM_002471.4(MYH6):c.3016C>G (p.Gln1006Glu)

Gene: MYH6 (myosin heavy chain 6; minus strand). Cytogenetic location: 14q11.2.
Variant type: single nucleotide variant.
Coding change: c.3016C>G on transcript NM_002471.4 (MANE Select); coding-DNA position 3016, C replaced by G.
Protein change: p.Gln1006Glu; replaces glutamine 1006 with glutamic acid.
Molecular consequence: missense variant.
Genome position (GRCh38, 1-based): chr14:23,393,431, G>C on the plus strand (C>G on the coding strand, the complement: MYH6 is on the minus strand). VCF-style: chr14-23393431-G-C. GRCh37 (hg19) VCF-style: chr14-23862640-G-C.
Other names: short protein forms Q1006E.
Identifiers: ClinVar variation 2172755 (VCV002172755.5), dbSNP rs1891297346, ClinGen allele CA389010821.

ClinVar aggregate classification (germline): Uncertain significance. Review status: criteria provided, multiple submitters, no conflicts (2 of 4 stars). 2 submissions from 2 submitters: Uncertain significance (2). Last evaluated 2024-06-17.

Conditions:
Cardiovascular phenotype. Identifiers: MedGen CN230736.
Hypertrophic cardiomyopathy 14. Identifiers: MedGen C2750467, MONDO:0013197, OMIM 613251.

Allele frequency attached by ClinVar (database versions not stated): TOPMed below 0.00001; gnomAD 0.00001.
gnomAD v4.1: 1 of 1,614,022 alleles (0.000062%); highest among the groups gnomAD compares: Non-Finnish European, 0.000085%; no homozygotes.

Submissions (2):

Ambry Genetics
Classification: Uncertain significance for Cardiovascular phenotype. Last evaluated: 2024-06-17. Review status: criteria provided, single submitter. Criteria: Ambry Variant Classification Scheme 2023. Collection method: clinical testing. Allele origin: germline.

Labcorp Genetics (formerly Invitae), Labcorp
Classification: Uncertain significance for Hypertrophic cardiomyopathy 14. Last evaluated: 2022-05-05. Review status: criteria provided, single submitter. Criteria: Invitae Variant Classification Sherloc (09022015). Collection method: clinical testing. Allele origin: germline.
Comment: In summary, the available evidence is currently insufficient to determine the role of this variant in disease. Therefore, it has been classified as a Variant of Uncertain Significance. Algorithms developed to predict the effect of missense changes on protein structure and function are either unavailable or do not agree on the potential impact of this missense change (SIFT: "Tolerated"; PolyPhen-2: "Probably Damaging"; Align-GVGD: "Class C0"). This variant has not been reported in the literature in individuals affected with MYH6-related conditions. This variant is not present in population databases (gnomAD no frequency). This sequence change replaces glutamine, which is neutral and polar, with glutamic acid, which is acidic and polar, at codon 1006 of the MYH6 protein (p.Gln1006Glu).